The following is an entry in ClinVar:

ClinVar aggregate classification (germline): Uncertain significance (1 of 4 stars; one submission).

Conditions:
Early-infantile DEE. Also called: Ohtahara syndrome; Early infantile epileptic encephalopathy with suppression bursts; Early infantile epileptic encephalopathy. Identifiers: Orphanet 1934, MedGen C0393706, MONDO:0800491.

gnomAD v4.1: 2 of 1,317,708 alleles (0.00015%); highest among the groups gnomAD compares: Admixed American, 0.0028%; no homozygotes.

Submission:

Labcorp Genetics (formerly Invitae), Labcorp
Classification: Uncertain significance for Early-infantile DEE. Last evaluated: 2024-10-08. Review status: criteria provided, single submitter. Criteria: Invitae Variant Classification Sherloc (09022015). Collection method: clinical testing. Allele origin: germline.
Comment: This sequence change replaces lysine, which is basic and polar, with glutamic acid, which is acidic and polar, at codon 24 of the HCN1 protein (p.Lys24Glu). This variant is not present in population databases (gnomAD no frequency). This variant has not been reported in the literature in individuals affected with HCN1-related conditions. Invitae Evidence Modeling of protein sequence and biophysical properties (such as structural, functional, and spatial information, amino acid conservation, physicochemical variation, residue mobility, and thermodynamic stability) indicates that this missense variant is not expected to disrupt HCN1 protein function with a negative predictive value of 95%. In summary, the available evidence is currently insufficient to determine the role of this variant in disease. Therefore, it has been classified as a Variant of Uncertain Significance.

NM_021072.4(HCN1):c.70A>G (p.Lys24Glu)

Gene: HCN1 (hyperpolarization activated cyclic nucleotide gated potassium channel 1; minus strand). Cytogenetic location: 5p12.
Variant type: single nucleotide variant.
Coding change: c.70A>G on transcript NM_021072.4 (MANE Select); coding-DNA position 70, A replaced by G.
Protein change: p.Lys24Glu; replaces lysine 24 with glutamic acid.
Molecular consequence: missense variant.
Genome position (GRCh38, 1-based): chr5:45,696,024, T>C on the plus strand (A>G on the coding strand, the complement: HCN1 is on the minus strand). VCF-style: chr5-45696024-T-C. GRCh37 (hg19) VCF-style: chr5-45696126-T-C.
Other names: short protein forms K24E.
Identifiers: ClinVar variation 3683968 (VCV003683968.2).
Genomic context (GRCh38, chr5:45,696,024, plus strand): 5'-CCGGCGGGGTGCCCAGGCGCTTCTCGGCCGCGGCCGGCCCCGCGCCCGTCGCGGACGCCT[T>C]GGCGGGGAAGACGCTGTTGCCATCGTCCCGGCTGTTAGACGAAGAGTTGGGCTTGCCGCC-3'
Protein context (NP_066550.2, residues 14-34): RDDGNSVFPA[Lys24Glu]ASATGAGPAA